The following is an entry in ClinVar:

ClinVar aggregate classification (germline): Likely benign (1 of 4 stars; one submission).

Allele frequency attached by ClinVar (database versions not stated): TOPMed 0.00589; 1000 Genomes Project 0.00699; 1000 Genomes Project 30x 0.00812.
gnomAD v4.1: 1,147 of 725,070 alleles (0.16%); highest among the groups gnomAD compares: African/African-American, 1.8%; 7 homozygotes.

Submission:

GeneDx
Classification: Likely benign. Last evaluated: 2018-06-14. Review status: criteria provided, single submitter. Criteria: GeneDx Variant Classification (06012015). Collection method: clinical testing. Allele origin: germline. Affected: yes.
Comment: This variant is considered likely benign or benign based on one or more of the following criteria: it is a conservative change, it occurs at a poorly conserved position in the protein, it is predicted to be benign by multiple in silico algorithms, and/or has population frequency not consistent with disease.

NM_000138.5(FBN1):c.4748-130G>C

Gene: FBN1 (fibrillin 1; minus strand). Cytogenetic location: 15q21.1.
Variant type: single nucleotide variant.
Coding change: c.4748-130G>C on transcript NM_000138.5 (MANE Select); 130 bases into the intron before coding-DNA position 4748, G replaced by C.
Molecular consequence: intron variant.
Genome position (GRCh38, 1-based): chr15:48,465,988, C>G on the plus strand (G>C on the coding strand, the complement: FBN1 is on the minus strand). VCF-style: chr15-48465988-C-G. GRCh37 (hg19) VCF-style: chr15-48758185-C-G.
Identifiers: ClinVar variation 675939 (VCV000675939.1), dbSNP rs75456997, ClinGen allele CA269549926.